The following is an entry in ClinVar:

ClinVar aggregate classification (germline): Uncertain significance. Review status: criteria provided, single submitter (1 of 4 stars). 2 submissions from 2 submitters: Uncertain significance (1). 1 of the submissions does not count toward it. Last evaluated 2022-08-16.

Conditions:
GNPTG-mucolipidosis. Also called: Mucolipidosis type III gamma; MUCOLIPIDOSIS III, COMPLEMENTATION GROUP C; MUCOLIPIDOSIS III, IRANIAN VARIANT FORM; MUCOLIPIDOSIS III, VARIANT FORM; ML III GAMMA; ML IIIC. Identifiers: Orphanet 423470, Orphanet 577, MedGen C1854896, MONDO:0009652, OMIM 252605.

Allele frequency attached by ClinVar (database versions not stated): TOPMed 0.00002.
gnomAD v4.1: 1 of 1,612,440 alleles (0.000062%); highest among the groups gnomAD compares: African/African-American, 0.0013%; no homozygotes.

Submissions (2):

Labcorp Genetics (formerly Invitae), Labcorp
Classification: Uncertain significance. Last evaluated: 2022-08-16. Review status: criteria provided, single submitter. Criteria: Invitae Variant Classification Sherloc (09022015). Collection method: clinical testing. Allele origin: germline.
Comment: This variant is not present in population databases (gnomAD no frequency). This sequence change replaces asparagine, which is neutral and polar, with threonine, which is neutral and polar, at codon 115 of the GNPTG protein (p.Asn115Thr). This variant has not been reported in the literature in individuals affected with GNPTG-related conditions. In summary, the available evidence is currently insufficient to determine the role of this variant in disease. Therefore, it has been classified as a Variant of Uncertain Significance. Algorithms developed to predict the effect of missense changes on protein structure and function (SIFT, PolyPhen-2, Align-GVGD) all suggest that this variant is likely to be disruptive. ClinVar contains an entry for this variant (Variation ID: 938074).

Natera, Inc.
Classification: Uncertain significance for Mucolipidosis III gamma. Last evaluated: 2020-02-27. Review status: no assertion criteria provided. Collection method: clinical testing. Allele origin: germline. Not counted in ClinVar's aggregate classification.

NM_032520.5(GNPTG):c.344A>C (p.Asn115Thr)

Gene: GNPTG (N-acetylglucosamine-1-phosphate transferase subunit gamma; plus strand). Cytogenetic location: 16p13.3.
Variant type: single nucleotide variant.
Coding change: c.344A>C on transcript NM_032520.5 (MANE Select); coding-DNA position 344, A replaced by C.
Protein change: p.Asn115Thr; replaces asparagine 115 with threonine.
Molecular consequence: missense variant.
Genome position (GRCh38, 1-based): chr16:1,362,064, A>C. VCF-style: chr16-1362064-A-C. GRCh37 (hg19) VCF-style: chr16-1412065-A-C.
Other names: short protein forms N115T.
Identifiers: ClinVar variation 938074 (VCV000938074.10), dbSNP rs138297609, ClinGen allele CA394187237.